The following is an entry in ClinVar:

ClinVar aggregate classification (germline): Uncertain significance (1 of 4 stars; one submission).

Conditions:
Progressive familial heart block type IB (PFHB1B). Identifiers: Orphanet 871, MedGen C1970298, MONDO:0011474, OMIM 604559.

gnomAD v4.1: 7 of 1,612,634 alleles (0.00043%); highest among the groups gnomAD compares: South Asian, 0.0022%; no homozygotes.

Submission:

Labcorp Genetics (formerly Invitae), Labcorp
Classification: Uncertain significance for Progressive familial heart block type IB. Last evaluated: 2024-04-03. Review status: criteria provided, single submitter. Criteria: Invitae Variant Classification Sherloc (09022015). Collection method: clinical testing. Allele origin: germline.
Comment: This sequence change replaces serine, which is neutral and polar, with leucine, which is neutral and non-polar, at codon 541 of the TRPM4 protein (p.Ser541Leu). This variant is present in population databases (no rsID available, gnomAD 0.006%). This variant has not been reported in the literature in individuals affected with TRPM4-related conditions. ClinVar contains an entry for this variant (Variation ID: 2078758). Algorithms developed to predict the effect of missense changes on protein structure and function output the following: SIFT: "Not Available"; PolyPhen-2: "Benign"; Align-GVGD: "Not Available". The leucine amino acid residue is found in multiple mammalian species, which suggests that this missense change does not adversely affect protein function. In summary, the available evidence is currently insufficient to determine the role of this variant in disease. Therefore, it has been classified as a Variant of Uncertain Significance.

NM_017636.4(TRPM4):c.1622C>T (p.Ser541Leu)

Gene: TRPM4 (transient receptor potential cation channel subfamily M member 4; plus strand). Cytogenetic location: 19q13.33.
Variant type: single nucleotide variant.
Coding change: c.1622C>T on transcript NM_017636.4 (MANE Select); coding-DNA position 1622, C replaced by T.
Protein change: p.Ser541Leu; replaces serine 541 with leucine.
Molecular consequence: missense variant.
Genome position (GRCh38, 1-based): chr19:49,183,091, C>T. VCF-style: chr19-49183091-C-T. GRCh37 (hg19) VCF-style: chr19-49686348-C-T.
Other names: c.1622C>T, p.Ser541Leu (NM_001195227.2); c.1277C>T, p.Ser426Leu (NM_001321281.2); c.14C>T, p.Ser5Leu (NM_001321282.2); c.1100C>T, p.Ser367Leu (NM_001321283.2); c.560C>T, p.Ser187Leu (NM_001321285.2); short protein forms S367L, S5L, S187L, S426L, S541L.
Identifiers: ClinVar variation 2078758 (VCV002078758.4), dbSNP rs1466930354, ClinGen allele CA406800253.